The following is an entry in ClinVar:

NM_001098512.3(PRKG1):c.198C>G (p.Ala66=)

Gene: PRKG1 (protein kinase cGMP-dependent 1; plus strand). Cytogenetic location: 10q11.23.
Variant type: single nucleotide variant.
Coding change: c.198C>G on transcript NM_001098512.3; coding-DNA position 198, C replaced by G.
Protein change: p.Ala66=; no amino-acid change (alanine 66 retained).
Molecular consequence: synonymous variant.
Genome position (GRCh38, 1-based): chr10:50,991,576, C>G. VCF-style: chr10-50991576-C-G. GRCh37 (hg19) VCF-style: chr10-52751336-C-G.
Identifiers: ClinVar variation 4988829 (VCV004988829.1).

ClinVar aggregate classification (germline): Likely benign (1 of 4 stars; one submission).

Conditions:
PRKG1-related disorder. Also called: PRKG1-related condition.

gnomAD v4.1: 176 of 1,599,628 alleles (0.011%); highest among the groups gnomAD compares: South Asian, 0.18%; 3 homozygotes.

Submission:

PreventionGenetics, part of Exact Sciences
Classification: Likely benign for PRKG1-related condition. Last evaluated: 2024-10-07. Review status: criteria provided, single submitter. Criteria: ACMG Guidelines, 2015. Collection method: clinical testing. Allele origin: germline.
Comment: This variant is classified as likely benign based on ACMG/AMP sequence variant interpretation guidelines (Richards et al. 2015 PMID: 25741868, with internal and published modifications).